The following is an entry in ClinVar:

NM_002755.4(MAP2K1):c.1067T>C (p.Met356Thr)

Genes: MAP2K1 (mitogen-activated protein kinase kinase 1; plus strand), SNAPC5 (small nuclear RNA activating complex polypeptide 5; minus strand). Cytogenetic location: 15q22.31.
Variant type: single nucleotide variant.
Coding change: c.1067T>C on transcript NM_002755.4 (MANE Select); coding-DNA position 1067, T replaced by C.
Protein change: p.Met356Thr; replaces methionine 356 with threonine.
Molecular consequence: missense variant. On other transcripts: 3 prime UTR variant (1), non-coding transcript variant (1).
Genome position (GRCh38, 1-based): chr15:66,489,762, T>C. VCF-style: chr15-66489762-T-C. GRCh37 (hg19) VCF-style: chr15-66782100-T-C.
Other names: c.*977A>G (NM_006049.4); c.923T>C, p.Met308Thr (NM_001411065.1); short protein forms M308T, M356T.
Identifiers: ClinVar variation 2565491 (VCV002565491.5), dbSNP rs1471568699, ClinGen allele CA392938631.

ClinVar aggregate classification (germline): Uncertain significance. Review status: criteria provided, multiple submitters, no conflicts (2 of 4 stars). 2 submissions from 2 submitters: Uncertain significance (2). Last evaluated 2024-06-30.

Conditions:
RASopathy. Also called: rasopathies; Noonan spectrum disorder. Identifiers: Orphanet 536391, MedGen C5555857, MONDO:0021060.
Cardiovascular phenotype. Identifiers: MedGen CN230736.

Allele frequency attached by ClinVar (database versions not stated): gnomAD exomes 0.00001.
gnomAD v4.1: 5 of 1,613,006 alleles (0.00031%); highest among the groups gnomAD compares: Admixed American, 0.0017%; no homozygotes.

Submissions (2):

Labcorp Genetics (formerly Invitae), Labcorp
Classification: Uncertain significance for RASopathy. Last evaluated: 2024-06-30. Review status: criteria provided, single submitter. Criteria: Invitae Variant Classification Sherloc (09022015). Collection method: clinical testing. Allele origin: germline.
Comment: This sequence change replaces methionine, which is neutral and non-polar, with threonine, which is neutral and polar, at codon 356 of the MAP2K1 protein (p.Met356Thr). This variant is not present in population databases (gnomAD no frequency). This variant has not been reported in the literature in individuals affected with MAP2K1-related conditions. ClinVar contains an entry for this variant (Variation ID: 2565491). An algorithm developed to predict the effect of missense changes on protein structure and function (PolyPhen-2) suggests that this variant is likely to be tolerated. In summary, the available evidence is currently insufficient to determine the role of this variant in disease. Therefore, it has been classified as a Variant of Uncertain Significance.

Ambry Genetics
Classification: Uncertain significance for Cardiovascular phenotype. Last evaluated: 2023-03-16. Review status: criteria provided, single submitter. Criteria: Ambry Variant Classification Scheme 2023. Collection method: clinical testing. Allele origin: germline.
Comment: The p.M356T variant (also known as c.1067T>C), located in coding exon 10 of the MAP2K1 gene, results from a T to C substitution at nucleotide position 1067. The methionine at codon 356 is replaced by threonine, an amino acid with similar properties. This amino acid position is conserved. In addition, the in silico prediction for this alteration is inconclusive. Since supporting evidence is limited at this time, the clinical significance of this alteration remains unclear.